The following is an entry in ClinVar:

NM_004268.5(MED17):c.1223C>G (p.Ser408Trp)

Gene: MED17 (mediator complex subunit 17; plus strand). Cytogenetic location: 11q21.
Variant type: single nucleotide variant.
Coding change: c.1223C>G on transcript NM_004268.5 (MANE Select); coding-DNA position 1223, C replaced by G.
Protein change: p.Ser408Trp; replaces serine 408 with tryptophan.
Molecular consequence: missense variant.
Genome position (GRCh38, 1-based): chr11:93,797,614, C>G. VCF-style: chr11-93797614-C-G. GRCh37 (hg19) VCF-style: chr11-93530780-C-G.
Other names: short protein forms S408W.
Identifiers: ClinVar variation 990616 (VCV000990616.3), dbSNP rs140719424, ClinGen allele CA226482966.

ClinVar aggregate classification (germline): Uncertain significance. Review status: criteria provided, multiple submitters, no conflicts (2 of 4 stars). 3 submissions from 3 submitters: Uncertain significance (2). 1 of the submissions does not count toward it. Last evaluated 2025-10-02.

Conditions:
Infantile cerebral and cerebellar atrophy with postnatal progressive microcephaly (MSBA). Identifiers: Orphanet 402364, MedGen C3150921, MONDO:0013351, OMIM 613668.
Inborn genetic diseases. Identifiers: MedGen C0950123, MeSH D030342.

Allele frequency attached by ClinVar (database versions not stated): TOPMed 0.00002; ESP Exome Variant Server 0.00008.
gnomAD v4.1: 9 of 1,613,858 alleles (0.00056%); highest among the groups gnomAD compares: African/African-American, 0.011%; no homozygotes.

Submissions (3):

Ambry Genetics
Classification: Uncertain significance for Inborn genetic diseases. Last evaluated: 2025-10-02. Review status: criteria provided, single submitter. Criteria: Ambry Variant Classification Scheme 2023. Collection method: clinical testing. Allele origin: germline.

Baylor Genetics
Classification: Uncertain significance for Infantile cerebral and cerebellar atrophy with postnatal progressive microcephaly. Last evaluated: 2019-07-18. Review status: criteria provided, single submitter. Criteria: ACMG Guidelines, 2015. Collection method: clinical testing. Allele origin: unknown. Affected: yes.
Comment: This variant was determined to be of uncertain significance according to ACMG Guidelines, 2015 [PMID:25741868].

Natera, Inc.
Classification: Uncertain significance for Postnatal progressive microcephaly with seizures and brain atrophy. Last evaluated: 2020-04-17. Review status: no assertion criteria provided. Collection method: clinical testing. Allele origin: germline. Not counted in ClinVar's aggregate classification.